The following is an entry in ClinVar:

NM_000256.3(MYBPC3):c.1624+14_1624+15insA

Gene: MYBPC3 (myosin binding protein C3; minus strand). Cytogenetic location: 11p11.2.
Variant type: Insertion.
Coding change: c.1624+14_1624+15insA on transcript NM_000256.3 (MANE Select); bases 14 to 15 of the intron after coding-DNA position 1624, A inserted.
Molecular consequence: intron variant.
Genome position: GRCh38 VCF-style: chr11-47342563-C-CT. GRCh37 (hg19) VCF-style: chr11-47364114-C-CT.
Identifiers: ClinVar variation 42554 (VCV000042554.14), dbSNP rs369096037, ClinGen allele CA010744.

ClinVar aggregate classification (germline): Benign/Likely benign. Review status: criteria provided, multiple submitters, no conflicts (2 of 4 stars). 4 submissions from 4 submitters: Benign (1); Likely benign (3). Last evaluated 2026-01-31.

Conditions:
Hypertrophic cardiomyopathy. Also called: HYPERTROPHIC MYOCARDIOPATHY. Identifiers: Orphanet 217569, MedGen C0007194, MeSH D002312, MONDO:0005045, HP:0001639.

Allele frequency attached by ClinVar (database versions not stated): gnomAD exomes 0.00002 and 0.00007; ExAC 0.00014; gnomAD 0.00026 and 0.00027; TOPMed 0.00026; ESP Exome Variant Server 0.00033; 1000 Genomes Project 0.00060.

Submissions (4):

Labcorp Genetics (formerly Invitae), Labcorp
Classification: Benign for Hypertrophic cardiomyopathy. Last evaluated: 2026-01-31. Review status: criteria provided, single submitter. Criteria: Invitae Variant Classification Sherloc (09022015). Collection method: clinical testing. Allele origin: germline.

Blueprint Genetics
Classification: Likely benign. Last evaluated: 2024-09-12. Review status: criteria provided, single submitter. Criteria: ACMG Guidelines, 2015. Collection method: clinical testing. Allele origin: germline.

GeneDx
Classification: Likely benign. Last evaluated: 2018-04-27. Review status: criteria provided, single submitter. Criteria: GeneDx Variant Classification Process June 2021. Collection method: clinical testing. Allele origin: germline. Affected: yes.

Laboratory for Molecular Medicine, Mass General Brigham Personalized Medicine
Classification: Likely benign. Last evaluated: 2017-03-03. Review status: criteria provided, single submitter. Criteria: LMM Criteria. Collection method: clinical testing. Allele origin: germline. Observed: 3 variant alleles.
Comment: c.1624+14_1624+15insA in intron 17 of MYBPC3: This variant is not expected to ha ve clinical significance because it is not located within the splice consensus s equence. It has been identified in 8/57238 African chromosomes by the Exome Aggr egation Consortium (ExAC; dbSNP rs369096037).